The following is an entry in ClinVar:

NM_000709.4(BCKDHA):c.63C>T (p.Ala21=)

Gene: BCKDHA (branched chain keto acid dehydrogenase E1 subunit alpha; plus strand). Cytogenetic location: 19q13.2.
Variant type: single nucleotide variant.
Coding change: c.63C>T on transcript NM_000709.4 (MANE Select); coding-DNA position 63, C replaced by T.
Protein change: p.Ala21=; no amino-acid change (alanine 21 retained).
Molecular consequence: synonymous variant.
Genome position (GRCh38, 1-based): chr19:41,397,890, C>T. VCF-style: chr19-41397890-C-T. GRCh37 (hg19) VCF-style: chr19-41903795-C-T.
Other names: c.63C>T, p.Ala21= (NM_001164783.2).
Identifiers: ClinVar variation 329357 (VCV000329357.24), dbSNP rs140322984, ClinGen allele CA9460973.

ClinVar aggregate classification (germline): Conflicting classifications of pathogenicity. Review status: criteria provided, conflicting classifications (1 of 4 stars). 7 submissions from 7 submitters: Uncertain significance (1); Likely benign (4). 2 of the submissions do not count toward it. Last evaluated 2025-12-17.

Conditions:
BCKDHA-related disorder. Also called: BCKDHA-related condition.
Inborn genetic diseases. Identifiers: MedGen C0950123, MeSH D030342.
Maple syrup urine disease type 1A (MSUD1A). Also called: MSUD type 1A. Identifiers: MedGen C1855369, MONDO:0023691, OMIM 248600.
Maple syrup urine disease (MSUD). Identifiers: Orphanet 511, MedGen C0024776, MeSH D008375, MONDO:0009563. Disease mechanism: loss of function.

Allele frequency attached by ClinVar (database versions not stated): gnomAD 0.00038; TOPMed 0.00046; ESP Exome Variant Server 0.00085; 1000 Genomes Project 30x 0.00094; 1000 Genomes Project 0.00100.
gnomAD v4.1: 178 of 1,614,102 alleles (0.011%); highest among the groups gnomAD compares: African/African-American, 0.16%; no homozygotes.

Submissions (7):

Labcorp Genetics (formerly Invitae), Labcorp
Classification: Likely benign for Maple syrup urine disease. Last evaluated: 2025-12-17. Review status: criteria provided, single submitter. Criteria: Invitae Variant Classification Sherloc (09022015). Collection method: clinical testing. Allele origin: germline.

Ambry Genetics
Classification: Likely benign for Inborn genetic diseases. Last evaluated: 2024-04-25. Review status: criteria provided, single submitter. Criteria: Ambry Variant Classification Scheme 2023. Collection method: clinical testing. Allele origin: germline.

Genome-Nilou Lab
Classification: Likely benign for Maple syrup urine disease type 1A. Last evaluated: 2021-11-07. Review status: criteria provided, single submitter. Criteria: ACMG Guidelines, 2015. Collection method: clinical testing. Allele origin: germline. Affected: no.

GeneDx
Classification: Likely benign. Last evaluated: 2019-06-20. Review status: criteria provided, single submitter. Criteria: GeneDx Variant Classification Process June 2021. Collection method: clinical testing. Allele origin: germline. Affected: yes.

Illumina Laboratory Services, Illumina
Classification: Uncertain significance for Maple syrup urine disease type 1A. Last evaluated: 2018-01-13. Review status: criteria provided, single submitter. Criteria: ICSL Variant Classification Criteria 13 December 2019. Collection method: clinical testing. Allele origin: germline.

Natera, Inc.
Classification: Likely benign for Maple syrup urine disease type 1A. Last evaluated: 2020-09-16. Review status: no assertion criteria provided. Collection method: clinical testing. Allele origin: germline. Not counted in ClinVar's aggregate classification.

PreventionGenetics, part of Exact Sciences
Classification: Likely benign for BCKDHA-related condition. Last evaluated: 2019-03-26. Review status: no assertion criteria provided. Collection method: clinical testing. Allele origin: germline. Not counted in ClinVar's aggregate classification.
Comment: This variant is classified as likely benign based on ACMG/AMP sequence variant interpretation guidelines (Richards et al. 2015 PMID: 25741868, with internal and published modifications).